The following is an entry in ClinVar:

ClinVar aggregate classification (germline): Benign. Review status: criteria provided, multiple submitters, no conflicts (2 of 4 stars). 3 submissions from 3 submitters: Benign (2). 1 of the submissions does not count toward it. Last evaluated 2019-12-31.

Conditions:
MCTP2-related disorder. Also called: MCTP2-related condition.

Allele frequency attached by ClinVar (database versions not stated): ExAC 0.00197; 1000 Genomes Project 30x 0.00609; gnomAD 0.00638 and 0.00691; 1000 Genomes Project 0.00639; TOPMed 0.00683; ESP Exome Variant Server 0.00593.
gnomAD v4.1: 1,944 of 1,595,828 alleles (0.12%); highest among the groups gnomAD compares: African/African-American, 2.3%; 33 homozygotes.

Submissions (3):

Labcorp Genetics (formerly Invitae), Labcorp
Classification: Benign. Last evaluated: 2019-12-31. Review status: criteria provided, single submitter. Criteria: Invitae Variant Classification Sherloc (09022015). Collection method: clinical testing. Allele origin: germline.

Breakthrough Genomics
Classification: Benign. Review status: criteria provided, single submitter. Criteria: ACMG Guidelines, 2015. Collection method: not provided. Allele origin: germline. Inheritance: Unknown mechanism. Affected: yes.

PreventionGenetics, part of Exact Sciences
Classification: Benign for MCTP2-related condition. Last evaluated: 2024-06-03. Review status: no assertion criteria provided. Collection method: clinical testing. Allele origin: germline. Not counted in ClinVar's aggregate classification.
Comment: This variant is classified as benign based on ACMG/AMP sequence variant interpretation guidelines (Richards et al. 2015 PMID: 25741868, with internal and published modifications).

NM_001385001.1(MCTP2):c.1019G>A (p.Arg340His)

Gene: MCTP2 (multiple C2 and transmembrane domain containing 2; plus strand). Cytogenetic location: 15q26.2.
Variant type: single nucleotide variant.
Coding change: c.1019G>A on transcript NM_001385001.1 (MANE Select); coding-DNA position 1019, G replaced by A.
Protein change: p.Arg340His; replaces arginine 340 with histidine.
Molecular consequence: missense variant. On other transcripts: 5 prime UTR variant (1), non-coding transcript variant (7).
Genome position (GRCh38, 1-based): chr15:94,356,150, G>A. VCF-style: chr15-94356150-G-A. GRCh37 (hg19) VCF-style: chr15-94899379-G-A.
Other names: c.1019G>A, p.Arg340His (NM_001159643.2, NM_001385002.1, NM_001385003.1 and 5 more transcripts); c.-153G>A (NM_001159644.2); c.737G>A, p.Arg246His (NM_001385007.1); c.521G>A, p.Arg174His (NM_001385009.1, NM_001385010.1); c.701G>A, p.Arg234His (NM_001385011.1); short protein forms R340H, R174H, R234H, R246H.
Identifiers: ClinVar variation 781178 (VCV000781178.7), dbSNP rs142627007, ClinGen allele CA7749830.